The following is an entry in ClinVar:

NM_015693.4(INTU):c.1576A>T (p.Ile526Leu)

Gene: INTU (inturned planar cell polarity protein; plus strand). Cytogenetic location: 4q28.1.
Variant type: single nucleotide variant.
Coding change: c.1576A>T on transcript NM_015693.4 (MANE Select); coding-DNA position 1576, A replaced by T.
Protein change: p.Ile526Leu; replaces isoleucine 526 with leucine.
Molecular consequence: missense variant.
Genome position (GRCh38, 1-based): chr4:127,705,600, A>T. VCF-style: chr4-127705600-A-T. GRCh37 (hg19) VCF-style: chr4-128626755-A-T.
Other names: c.1576A>T (NM_015693.3); short protein forms I526L.
Identifiers: ClinVar variation 2911925 (VCV002911925.4), dbSNP rs1317414562, ClinGen allele CA358135058.

ClinVar aggregate classification (germline): Uncertain significance. Review status: criteria provided, multiple submitters, no conflicts (2 of 4 stars). 2 submissions from 2 submitters: Uncertain significance (2). Last evaluated 2025-06-30.

Conditions:
Inborn genetic diseases. Identifiers: MedGen C0950123, MeSH D030342.

Allele frequency attached by ClinVar (database versions not stated): TOPMed below 0.00001; gnomAD exomes 0.00001.
gnomAD v4.1: 9 of 1,613,222 alleles (0.00056%); highest among the groups gnomAD compares: Admixed American, 0.0017%; no homozygotes.

Submissions (2):

Ambry Genetics
Classification: Uncertain significance for Inborn genetic diseases. Last evaluated: 2025-06-30. Review status: criteria provided, single submitter. Criteria: Ambry Variant Classification Scheme 2023. Collection method: clinical testing. Allele origin: germline.

Labcorp Genetics (formerly Invitae), Labcorp
Classification: Uncertain significance. Last evaluated: 2024-03-04. Review status: criteria provided, single submitter. Criteria: Invitae Variant Classification Sherloc (09022015). Collection method: clinical testing. Allele origin: germline.
Comment: This sequence change replaces isoleucine, which is neutral and non-polar, with leucine, which is neutral and non-polar, at codon 526 of the INTU protein (p.Ile526Leu). This variant is present in population databases (no rsID available, gnomAD 0.003%). This variant has not been reported in the literature in individuals affected with INTU-related conditions. Advanced modeling of protein sequence and biophysical properties (such as structural, functional, and spatial information, amino acid conservation, physicochemical variation, residue mobility, and thermodynamic stability) performed at Invitae indicates that this missense variant is not expected to disrupt INTU protein function with a negative predictive value of 80%. Algorithms developed to predict the effect of sequence changes on RNA splicing suggest that this variant may create or strengthen a splice site. In summary, the available evidence is currently insufficient to determine the role of this variant in disease. Therefore, it has been classified as a Variant of Uncertain Significance.